The following is an entry in ClinVar:

NM_020693.4(DSCAML1):c.1821C>T (p.Ala607=)

Gene: DSCAML1 (DS cell adhesion molecule like 1; minus strand). Cytogenetic location: 11q23.3.
Variant type: single nucleotide variant.
Coding change: c.1821C>T on transcript NM_020693.4 (MANE Select); coding-DNA position 1821, C replaced by T.
Protein change: p.Ala607=; no amino-acid change (alanine 607 retained).
Molecular consequence: synonymous variant.
Genome position (GRCh38, 1-based): chr11:117,505,695, G>A on the plus strand (C>T on the coding strand, the complement: DSCAML1 is on the minus strand). VCF-style: chr11-117505695-G-A. GRCh37 (hg19) VCF-style: chr11-117376410-G-A.
Other names: c.1821C>T, p.Ala607= (NM_001367904.1); c.2001C>T (NM_020693.3).
Identifiers: ClinVar variation 1543999 (VCV001543999.10), dbSNP rs532838551, ClinGen allele CA6297158.

ClinVar aggregate classification (germline): Benign. Review status: criteria provided, single submitter (1 of 4 stars). 2 submissions from 2 submitters: Benign (1). 1 of the submissions does not count toward it. Last evaluated 2025-10-24.

Conditions:
DSCAML1-related disorder. Also called: DSCAML1-related condition.

Allele frequency attached by ClinVar (database versions not stated): TOPMed 0.00006; gnomAD 0.00010 and 0.00025; gnomAD exomes 0.00056 and 0.00116; 1000 Genomes Project 30x 0.00094; 1000 Genomes Project 0.00100; ExAC 0.00133.
gnomAD v4.1: 858 of 1,613,070 alleles (0.053%); highest among the groups gnomAD compares: South Asian, 0.87%; 13 homozygotes.

Submissions (2):

Labcorp Genetics (formerly Invitae), Labcorp
Classification: Benign. Last evaluated: 2025-10-24. Review status: criteria provided, single submitter. Criteria: Invitae Variant Classification Sherloc (09022015). Collection method: clinical testing. Allele origin: germline.

PreventionGenetics, part of Exact Sciences
Classification: Benign for DSCAML1-related condition. Last evaluated: 2019-06-28. Review status: no assertion criteria provided. Collection method: clinical testing. Allele origin: germline. Not counted in ClinVar's aggregate classification.
Comment: This variant is classified as benign based on ACMG/AMP sequence variant interpretation guidelines (Richards et al. 2015 PMID: 25741868, with internal and published modifications).